The following is an entry in ClinVar:

ClinVar aggregate classification (germline): Likely pathogenic (1 of 4 stars; one submission).

Conditions:
Alzheimer disease 3 (AD3). Also called: ALZHEIMER DISEASE, FAMILIAL, 3. Identifiers: Orphanet 1020, MedGen C1843013, MONDO:0011913, OMIM 607822.

Submission:

Department of Clinical Genetics, Copenhagen University Hospital, Rigshospitalet
Classification: Likely pathogenic for Alzheimer disease 3. Last evaluated: 2025-05-02. Review status: criteria provided, single submitter. Criteria: ACMG Guidelines, 2015. Collection method: clinical testing. Allele origin: germline.
Comment: PM5_M, PP3_M, PS4_Sup, PM2_Sup, PP2_Sup

NM_000021.4(PSEN1):c.844C>T (p.Leu282Phe)

Gene: PSEN1 (presenilin 1; plus strand). Cytogenetic location: 14q24.2.
Variant type: single nucleotide variant.
Coding change: c.844C>T on transcript NM_000021.4 (MANE Select); coding-DNA position 844, C replaced by T.
Protein change: p.Leu282Phe; replaces leucine 282 with phenylalanine.
Molecular consequence: missense variant.
Genome position (GRCh38, 1-based): chr14:73,198,105, C>T. VCF-style: chr14-73198105-C-T. GRCh37 (hg19) VCF-style: chr14-73664813-C-T.
Other names: c.832C>T, p.Leu278Phe (NM_007318.3); short protein forms L278F, L282F.
Identifiers: ClinVar variation 3899286 (VCV003899286.1).